The following is an entry in ClinVar:

NM_003060.4(SLC22A5):c.1088T>A (p.Leu363His)

Gene: SLC22A5 (solute carrier family 22 member 5; plus strand). Cytogenetic location: 5q31.1.
Variant type: single nucleotide variant.
Coding change: c.1088T>A on transcript NM_003060.4 (MANE Select); coding-DNA position 1088, T replaced by A.
Protein change: p.Leu363His; replaces leucine 363 with histidine.
Molecular consequence: missense variant.
Genome position (GRCh38, 1-based): chr5:132,390,725, T>A. VCF-style: chr5-132390725-T-A. GRCh37 (hg19) VCF-style: chr5-131726417-T-A.
Other names: c.1160T>A, p.Leu387His (NM_001308122.2); short protein forms L363H, L387H.
Identifiers: ClinVar variation 972151 (VCV000972151.7), dbSNP rs386134214, ClinGen allele CA360807497.

ClinVar aggregate classification (germline): Uncertain significance. Review status: criteria provided, single submitter (1 of 4 stars). 2 submissions from 2 submitters: Uncertain significance (1). 1 of the submissions does not count toward it. Last evaluated 2021-09-01.

Conditions:
Renal carnitine transport defect (CDSP). Also called: Primary carnitine deficiency; CARNITINE DEFICIENCY, SYSTEMIC, DUE TO DEFECT IN RENAL REABSORPTION OF CARNITINE; CARNITINE TRANSPORTER, PLASMA-MEMBRANE, DEFICIENCY OF; CARNITINE UPTAKE DEFECT; Systemic primary carnitine deficiency; Carnitine transporter deficiency. Identifiers: Orphanet 158, MedGen C0342788, MONDO:0008919, OMIM 212140.
Carnitine deficiency. Identifiers: MedGen C1142132.

Submissions (2):

Labcorp Genetics (formerly Invitae), Labcorp
Classification: Uncertain significance for Renal carnitine transport defect. Last evaluated: 2021-09-01. Review status: criteria provided, single submitter. Criteria: Invitae Variant Classification Sherloc (09022015). Collection method: clinical testing. Allele origin: germline.
Comment: This sequence change replaces leucine with histidine at codon 363 of the SLC22A5 protein (p.Leu363His). The leucine residue is highly conserved and there is a moderate physicochemical difference between leucine and histidine. This variant is not present in population databases (ExAC no frequency). This variant has not been reported in the literature in individuals affected with SLC22A5-related conditions. Algorithms developed to predict the effect of missense changes on protein structure and function (SIFT, PolyPhen-2, Align-GVGD) all suggest that this variant is likely to be disruptive. In summary, the available evidence is currently insufficient to determine the role of this variant in disease. Therefore, it has been classified as a Variant of Uncertain Significance.

Natera, Inc.
Classification: Uncertain significance for Carnitine deficiency. Last evaluated: 2025-01-15. Review status: no assertion criteria provided. Collection method: clinical testing. Allele origin: germline. Not counted in ClinVar's aggregate classification.